The following is an entry in ClinVar:

NM_000748.3(CHRNB2):c.1208T>G (p.Phe403Cys)

Gene: CHRNB2 (cholinergic receptor nicotinic beta 2 subunit; plus strand). Cytogenetic location: 1q21.3.
Variant type: single nucleotide variant.
Coding change: c.1208T>G on transcript NM_000748.3 (MANE Select); coding-DNA position 1208, T replaced by G.
Protein change: p.Phe403Cys; replaces phenylalanine 403 with cysteine.
Molecular consequence: missense variant.
Genome position (GRCh38, 1-based): chr1:154,572,031, T>G. VCF-style: chr1-154572031-T-G. GRCh37 (hg19) VCF-style: chr1-154544507-T-G.
Other names: short protein forms F403C.
Identifiers: ClinVar variation 1749370 (VCV001749370.2), dbSNP rs1696180621, ClinGen allele CA342631699.

ClinVar aggregate classification (germline): Uncertain significance (1 of 4 stars; one submission).

Conditions:
Inborn genetic diseases. Identifiers: MedGen C0950123, MeSH D030342.

Allele frequency attached by ClinVar (database versions not stated): gnomAD exomes 0.00001.
gnomAD v4.1: 4 of 1,533,880 alleles (0.00026%); highest among the groups gnomAD compares: East Asian, 0.0098%; no homozygotes.

Submission:

Ambry Genetics
Classification: Uncertain significance for Inborn genetic diseases. Last evaluated: 2017-12-18. Review status: criteria provided, single submitter. Criteria: Ambry Variant Classification Scheme 2023. Collection method: clinical testing. Allele origin: germline.
Comment: The p.F403C variant (also known as c.1208T>G), located in coding exon 5 of the CHRNB2 gene, results from a T to G substitution at nucleotide position 1208. The phenylalanine at codon 403 is replaced by cysteine, an amino acid with highly dissimilar properties. This amino acid position is not well conserved in available vertebrate species. In addition, this alteration is predicted to be tolerated by in silico analysis. Since supporting evidence is limited at this time, the clinical significance of this alteration remains unclear.